The following is an entry in ClinVar:

NM_017739.4(POMGNT1):c.1449_1454dup (p.Arg485_Arg486insGlnArg)

Genes: POMGNT1 (protein O-linked mannose N-acetylglucosaminyltransferase 1 (beta 1,2-); minus strand), TSPAN1 (tetraspanin 1; plus strand). Cytogenetic location: 1p34.1.
Variant type: Duplication.
Coding change: c.1449_1454dup on transcript NM_017739.4 (MANE Select); coding-DNA positions 1449 to 1454, 6 bases duplicated (ACAACG; older notation c.1449_1454dupACAACG).
Protein change: p.Arg485_Arg486insGlnArg.
Molecular consequence: inframe insertion.
Genome position (GRCh38, 1-based): chr1:46,192,183-46,192,188, CGTTGT duplicated on the plus strand (ACAACG on the coding strand, the reverse complement: POMGNT1 is on the minus strand). VCF-style (leftmost placement, unchanged base first): chr1-46192182-G-GCGTTGT. GRCh37 (hg19) VCF-style: chr1-46657854-G-GCGTTGT.
Other names: c.1449_1454dup, p.Arg485_Arg486insGlnArg (NM_001243766.2, NM_001410783.1, NM_001437653.1 and 3 more transcripts); c.1383_1388dup, p.Arg463_Arg464insGlnArg (NM_001290129.3, NM_001438691.1, NM_001438692.1); c.1020_1025dup, p.Arg342_Arg343insGlnArg (NM_001290130.2).
Identifiers: ClinVar variation 4845413 (VCV004845413.1).

ClinVar aggregate classification (germline): Uncertain significance (1 of 4 stars; one submission).

Conditions:
Retinal disorder. Also called: Retinopathy; Retinopathies; Retinal Diseases; Retinal disorders. Identifiers: MedGen C0035309, MONDO:0005283, HP:0000488.

Submission:

Genetics Laboratory, Great Ormond Street Hospital NHS Foundation Trust, North Thames Genomic Laboratory Hub
Classification: Uncertain significance for Retinal disorders. Last evaluated: 2026-02-27. Review status: criteria provided, single submitter. Criteria: ACGS Best Practice Guidelines for Variant Classification in Rare Disease 2024 v1.2. Collection method: clinical testing. Allele origin: germline. Affected: yes.
Comment: PM2_moderate, PM4_moderate